The following is an entry in ClinVar:

NM_003384.3(VRK1):c.783G>A (p.Trp261Ter)

Gene: VRK1 (VRK serine/threonine kinase 1; plus strand). Cytogenetic location: 14q32.2.
Variant type: single nucleotide variant.
Coding change: c.783G>A on transcript NM_003384.3 (MANE Select); coding-DNA position 783, G replaced by A.
Protein change: p.Trp261Ter; replaces tryptophan 261 with a stop codon.
Molecular consequence: nonsense.
Genome position (GRCh38, 1-based): chr14:96,856,203, G>A. VCF-style: chr14-96856203-G-A. GRCh37 (hg19) VCF-style: chr14-97322540-G-A.
Other names: short protein forms W261*.
Identifiers: ClinVar variation 1383284 (VCV001383284.7), dbSNP rs2139804073, ClinGen allele CA390931517.
Genomic context (GRCh38, chr14:96,856,203, plus strand): 5'-TGGTGATTTGGAAATACTTGGTTATTGCATGATCCAATGGCTTACTGGCCATCTTCCTTG[G>A]GAGGATAATTTGAAAGATCCTAAATATGTTAGAGATTCCAAAATTAGGTAAAGGAAAACT-3'

ClinVar aggregate classification (germline): Pathogenic (1 of 4 stars; one submission).

Conditions:
Pontocerebellar hypoplasia type 1A (PCH1A). Also called: PONTOCEREBELLAR HYPOPLASIA WITH ANTERIOR HORN CELL DISEASE; PONTOCEREBELLAR HYPOPLASIA WITH INFANTILE SPINAL MUSCULAR ATROPHY. Identifiers: Orphanet 2254, Orphanet 88616, MedGen C1843504, MONDO:0011866, OMIM 607596.

Submission:

Labcorp Genetics (formerly Invitae), Labcorp
Classification: Pathogenic for Pontocerebellar hypoplasia type 1A. Last evaluated: 2021-11-10. Review status: criteria provided, single submitter. Criteria: Invitae Variant Classification Sherloc (09022015). Collection method: clinical testing. Allele origin: germline.
Comment: This sequence change creates a premature translational stop signal (p.Trp261*) in the VRK1 gene. It is expected to result in an absent or disrupted protein product. Loss-of-function variants in VRK1 are known to be pathogenic (PMID: 19646678, 24126608, 27281532). For these reasons, this variant has been classified as Pathogenic. This variant has not been reported in the literature in individuals affected with VRK1-related conditions. This variant is not present in population databases (gnomAD no frequency).

Literature cited by the submitters: PubMed 19646678; PubMed 24126608; PubMed 27281532.